The following is an entry in ClinVar:

ClinVar aggregate classification (germline): Likely pathogenic (1 of 4 stars; one submission).

Conditions:
Hereditary cancer-predisposing syndrome. Also called: Tumor predisposition; Neoplastic Syndromes, Hereditary; Hereditary neoplastic syndrome; Hereditary Cancer Syndrome. Identifiers: Orphanet 140162, MedGen C0027672, MeSH D009386, MONDO:0015356.

Submission:

Ambry Genetics
Classification: Likely pathogenic for Hereditary cancer-predisposing syndrome. Last evaluated: 2024-04-29. Review status: criteria provided, single submitter. Criteria: Ambry Variant Classification Scheme 2023. Collection method: clinical testing. Allele origin: germline.
Comment: The p.A60E variant (also known as c.179C>A), located in coding exon 2 of the CDKN2A gene, results from a C to A substitution at nucleotide position 179. The alanine at codon 60 is replaced by glutamic acid, an amino acid with dissimilar properties. Other variants impacting this amino acid (p.A60R and p.A60V) have been reported in melanoma cohorts and are functionally deleterious (Levanat S et al. Croat Med J. 2003 Aug;44(4):418-24; Begg CB et al. J Natl Cancer Inst. 2005 Oct;97(20):1507-15; Berwick M et al. Cancer Epidemiol Biomarkers Prev. 2006 Aug;15(8):1520-5; Orlow I et al. J Invest Dermatol. 2007 May;127(5):1234-43; Kannengiesser C et al. Hum Mutat. 2009 Apr;30(4):564-74; McKenzie HA et al. Hum Mutat. 2010 Jun;31(6):692-701; Miller PJ et al. Hum Mutat. 2011 Aug;32(8):900-11; Maubec E et al. J Am Acad Dermatol. 2012 Dec;67(6):1257-64; Casula M et al. BMC Cancer. 2019 Aug;19(1):772). This amino acid change is expected to be destabilizing to the protein structure (Ambry internal data). This amino acid position is highly conserved in available vertebrate species. In addition, this alteration is predicted to be deleterious by in silico analysis. This variant is considered to be rare based on population cohorts in the Genome Aggregation Database (gnomAD). Based on the majority of available evidence to date, this variant is likely to be pathogenic.

NM_000077.5(CDKN2A):c.179C>A (p.Ala60Glu)

Gene: CDKN2A (cyclin dependent kinase inhibitor 2A; minus strand). Cytogenetic location: 9p21.3.
Variant type: single nucleotide variant.
Coding change: c.179C>A on transcript NM_000077.5; coding-DNA position 179, C replaced by A.
Protein change: p.Ala60Glu; replaces alanine 60 with glutamic acid.
Molecular consequence: missense variant (on NM_000077.6). On other transcripts: synonymous variant (1), 3 prime UTR variant (1).
Genome position (GRCh38, 1-based): chr9:21,971,180, G>T on the plus strand (C>A on the coding strand, the complement: CDKN2A is on the minus strand). VCF-style: chr9-21971180-G-T. GRCh37 (hg19) VCF-style: chr9-21971179-G-T.
Other names: c.179C>A, p.Ala60Glu (NM_000077.6, NM_001195132.2); c.26C>A, p.Ala9Glu (NM_001363763.2); c.222C>A, p.Gly74= (NM_058195.4); c.*102C>A (NM_058197.5); short protein forms A60E, A9E.
Identifiers: ClinVar variation 186239 (VCV000186239.6), dbSNP rs36204594, ClinGen allele CA194216.